The following is an entry in ClinVar:

NM_025099.6(CTC1):c.1274T>C (p.Leu425Pro)

Gene: CTC1 (CST telomere replication complex component 1; minus strand). Cytogenetic location: 17p13.1.
Variant type: single nucleotide variant.
Coding change: c.1274T>C on transcript NM_025099.6 (MANE Select); coding-DNA position 1274, T replaced by C.
Protein change: p.Leu425Pro; replaces leucine 425 with proline.
Molecular consequence: missense variant. On other transcripts: non-coding transcript variant (1).
Genome position (GRCh38, 1-based): chr17:8,235,218, A>G on the plus strand (T>C on the coding strand, the complement: CTC1 is on the minus strand). VCF-style: chr17-8235218-A-G. GRCh37 (hg19) VCF-style: chr17-8138536-A-G.
Other names: c.1274T>C (NM_025099.5); short protein forms L425P.
Identifiers: ClinVar variation 1400854 (VCV001400854.6), dbSNP rs371812914, ClinGen allele CA8372404.

ClinVar aggregate classification (germline): Uncertain significance. Review status: criteria provided, multiple submitters, no conflicts (2 of 4 stars). 3 submissions from 3 submitters: Uncertain significance (3). Last evaluated 2024-03-05.

Conditions:
Cerebroretinal microangiopathy with calcifications and cysts 1 (CRMCC1). Identifiers: Orphanet 313838, MedGen C4552029, MONDO:0024564, OMIM 612199.
Dyskeratosis congenita. Identifiers: Orphanet 1775, MedGen C0265965, MONDO:0015780.
Inborn genetic diseases. Identifiers: MedGen C0950123, MeSH D030342.

Allele frequency attached by ClinVar (database versions not stated): gnomAD exomes 0.00001; ExAC 0.00003; gnomAD 0.00006; TOPMed 0.00007; ESP Exome Variant Server 0.00008.
gnomAD v4.1: 18 of 1,614,034 alleles (0.0011%); highest among the groups gnomAD compares: African/African-American, 0.023%; no homozygotes.

Submissions (3):

Fulgent Genetics
Classification: Uncertain significance for Cerebroretinal microangiopathy with calcifications and cysts 1. Last evaluated: 2024-03-05. Review status: criteria provided, single submitter. Criteria: ACMG Guidelines, 2015. Collection method: clinical testing. Allele origin: germline.

Labcorp Genetics (formerly Invitae), Labcorp
Classification: Uncertain significance for Dyskeratosis congenita. Last evaluated: 2023-11-27. Review status: criteria provided, single submitter. Criteria: Invitae Variant Classification Sherloc (09022015). Collection method: clinical testing. Allele origin: germline.
Comment: This sequence change replaces leucine, which is neutral and non-polar, with proline, which is neutral and non-polar, at codon 425 of the CTC1 protein (p.Leu425Pro). This variant is present in population databases (rs371812914, gnomAD 0.02%). This variant has not been reported in the literature in individuals affected with CTC1-related conditions. ClinVar contains an entry for this variant (Variation ID: 1400854). Advanced modeling of protein sequence and biophysical properties (such as structural, functional, and spatial information, amino acid conservation, physicochemical variation, residue mobility, and thermodynamic stability) performed at Invitae indicates that this missense variant is not expected to disrupt CTC1 protein function with a negative predictive value of 80%. In summary, the available evidence is currently insufficient to determine the role of this variant in disease. Therefore, it has been classified as a Variant of Uncertain Significance.

Ambry Genetics
Classification: Uncertain significance for Inborn genetic diseases. Last evaluated: 2023-01-06. Review status: criteria provided, single submitter. Criteria: Ambry Variant Classification Scheme 2023. Collection method: clinical testing. Allele origin: germline.